The following is an entry in ClinVar:

ClinVar aggregate classification (germline): Uncertain significance (1 of 4 stars; one submission).

Submission:

GeneDx
Classification: Uncertain significance. Last evaluated: 2024-10-30. Review status: criteria provided, single submitter. Criteria: GeneDx Variant Classification Process June 2021. Collection method: clinical testing. Allele origin: germline. Affected: yes.
Comment: Not observed at significant frequency in large population cohorts (gnomAD); In silico analysis supports that this missense variant has a deleterious effect on protein structure/function; Has not been previously published as pathogenic or benign to our knowledge

NM_000829.4(GRIA4):c.1256T>G (p.Val419Gly)

Gene: GRIA4 (glutamate ionotropic receptor AMPA type subunit 4; plus strand). Cytogenetic location: 11q22.3.
Variant type: single nucleotide variant.
Coding change: c.1256T>G on transcript NM_000829.4 (MANE Select); coding-DNA position 1256, T replaced by G.
Protein change: p.Val419Gly; replaces valine 419 with glycine.
Molecular consequence: missense variant. On other transcripts: non-coding transcript variant (1).
Genome position (GRCh38, 1-based): chr11:105,910,532, T>G. VCF-style: chr11-105910532-T-G. GRCh37 (hg19) VCF-style: chr11-105781258-T-G.
Other names: c.1256T>G, p.Val419Gly (NM_001077243.3, NM_001077244.2, NM_001112812.2); short protein forms V419G.
Identifiers: ClinVar variation 3897508 (VCV003897508.1).
Genomic context (GRCh38, chr11:105,910,532, plus strand): 5'-TTCAAGATGTACCAACTCTTGGCAATGACACAGCTGCTATTGAGAACAGAACAGTGGTTG[T>G]AACCACAATTATGGTAAGTGTTGGTCTATGCTTTATGGTGTTCCGTTTTGTCCACAGGCA-3'
Protein context (NP_000820.4, residues 409-429): TAAIENRTVV[Val419Gly]TTIMESPYVM